The following is an entry in ClinVar:

ClinVar aggregate classification (germline): Uncertain significance (1 of 4 stars; one submission).

Conditions:
Combined immunodeficiency with skin granulomas. Identifiers: Orphanet 157949, MedGen C2673536, MONDO:0009306, OMIM 233650.
Severe combined immunodeficiency, autosomal recessive, T cell-negative, B cell-negative, NK cell-positive. Also called: SCID, AR, T-cell negative, B-cell negative, NK cell-positive; SCID, T CELL-NEGATIVE, B CELL-NEGATIVE, NK CELL-POSITIVE; Severe combined immunodeficiency due to complete RAG1/2 deficiency. Identifiers: Orphanet 331206, MedGen C1832322, MONDO:0011086, OMIM 601457.

Submission:

Labcorp Genetics (formerly Invitae), Labcorp
Classification: Uncertain significance for Combined immunodeficiency with skin granulomas; Severe combined immunodeficiency, autosomal recessive, T cell-negative, B cell-negative, NK cell-positive. Last evaluated: 2025-02-24. Review status: criteria provided, single submitter. Criteria: Invitae Variant Classification Sherloc (09022015). Collection method: clinical testing. Allele origin: germline.
Comment: This sequence change replaces glutamine, which is neutral and polar, with arginine, which is basic and polar, at codon 492 of the RAG2 protein (p.Gln492Arg). This variant is not present in population databases (gnomAD no frequency). This variant has not been reported in the literature in individuals affected with RAG2-related conditions. ClinVar contains an entry for this variant (Variation ID: 2070775). Invitae Evidence Modeling of protein sequence and biophysical properties (such as structural, functional, and spatial information, amino acid conservation, physicochemical variation, residue mobility, and thermodynamic stability) indicates that this missense variant is not expected to disrupt RAG2 protein function with a negative predictive value of 95%. In summary, the available evidence is currently insufficient to determine the role of this variant in disease. Therefore, it has been classified as a Variant of Uncertain Significance.

NM_000536.4(RAG2):c.1475A>G (p.Gln492Arg)

Gene: RAG2 (recombination activating 2; minus strand). Cytogenetic location: 11p12.
Variant type: single nucleotide variant.
Coding change: c.1475A>G on transcript NM_000536.4 (MANE Select); coding-DNA position 1475, A replaced by G.
Protein change: p.Gln492Arg; replaces glutamine 492 with arginine.
Molecular consequence: missense variant.
Genome position (GRCh38, 1-based): chr11:36,592,694, T>C on the plus strand (A>G on the coding strand, the complement: RAG2 is on the minus strand). VCF-style: chr11-36592694-T-C. GRCh37 (hg19) VCF-style: chr11-36614244-T-C.
Other names: c.1475A>G, p.Gln492Arg (NM_001243785.2, NM_001243786.2); short protein forms Q492R.
Identifiers: ClinVar variation 2070775 (VCV002070775.4), dbSNP rs2494786997, ClinGen allele CA380140278.